The following is an entry in ClinVar:

ClinVar aggregate classification (germline): Uncertain significance. Review status: criteria provided, multiple submitters, no conflicts (2 of 4 stars). 2 submissions from 2 submitters: Uncertain significance (2). Last evaluated 2026-04-09.

Conditions:
Hereditary pulmonary alveolar proteinosis. Also called: Pulmonary surfactant metabolism dysfunction. Identifiers: Orphanet 264675, MedGen C3711368, MONDO:0012580.

gnomAD v4.1: 4 of 1,583,354 alleles (0.00025%); highest among the groups gnomAD compares: South Asian, 0.0011%; no homozygotes.

Submissions (2):

Ambry Genetics
Classification: Uncertain significance for Hereditary pulmonary alveolar proteinosis. Last evaluated: 2026-04-09. Review status: criteria provided, single submitter. Criteria: Ambry Variant Classification Scheme 2023. Collection method: clinical testing. Allele origin: germline.
Comment: The p.L897V variant (also known as c.2689C>G), located in coding exon 17 of the ABCA3 gene, results from a C to G substitution at nucleotide position 2689. The leucine at codon 897 is replaced by valine, an amino acid with highly similar properties. This amino acid position is conserved. In addition, the in silico prediction for this alteration is inconclusive. Based on the available evidence, the clinical significance of this variant remains unclear.

Blueprint Genetics
Classification: Uncertain significance. Last evaluated: 2024-06-10. Review status: criteria provided, single submitter. Criteria: ACMG Guidelines, 2015. Collection method: clinical testing. Allele origin: germline.

NM_001089.3(ABCA3):c.2689C>G (p.Leu897Val)

Gene: ABCA3 (ATP binding cassette subfamily A member 3; minus strand). Cytogenetic location: 16p13.3.
Variant type: single nucleotide variant.
Coding change: c.2689C>G on transcript NM_001089.3 (MANE Select); coding-DNA position 2689, C replaced by G.
Protein change: p.Leu897Val; replaces leucine 897 with valine.
Molecular consequence: missense variant.
Genome position (GRCh38, 1-based): chr16:2,289,445, G>C on the plus strand (C>G on the coding strand, the complement: ABCA3 is on the minus strand). VCF-style: chr16-2289445-G-C. GRCh37 (hg19) VCF-style: chr16-2339446-G-C.
Other names: short protein forms L897V.
Identifiers: ClinVar variation 4871175 (VCV004871175.2).